The following is an entry in ClinVar:

ClinVar aggregate classification (germline): Uncertain significance (1 of 4 stars; one submission).

Conditions:
Inborn genetic diseases. Identifiers: MedGen C0950123, MeSH D030342.

Submission:

Ambry Genetics
Classification: Uncertain significance for Inborn genetic diseases. Last evaluated: 2024-11-25. Review status: criteria provided, single submitter. Criteria: Ambry Variant Classification Scheme 2023. Collection method: clinical testing. Allele origin: germline.
Comment: The p.G142A variant (also known as c.425G>C), located in coding exon 3 of the HAX1 gene, results from a G to C substitution at nucleotide position 425. The glycine at codon 142 is replaced by alanine, an amino acid with similar properties. This amino acid position is conserved. In addition, this alteration is predicted to be tolerated by in silico analysis. Based on the available evidence, the clinical significance of this variant remains unclear.

NM_006118.4(HAX1):c.425G>C (p.Gly142Ala)

Gene: HAX1 (HCLS1 associated protein X-1; plus strand). Cytogenetic location: 1q21.3.
Variant type: single nucleotide variant.
Coding change: c.425G>C on transcript NM_006118.4 (MANE Select); coding-DNA position 425, G replaced by C.
Protein change: p.Gly142Ala; replaces glycine 142 with alanine.
Molecular consequence: missense variant.
Genome position (GRCh38, 1-based): chr1:154,273,882, G>C. VCF-style: chr1-154273882-G-C. GRCh37 (hg19) VCF-style: chr1-154246358-G-C.
Other names: c.281G>C, p.Gly94Ala (NM_001018837.2); short protein forms G94A, G142A.
Identifiers: ClinVar variation 3524083 (VCV003524083.1).